The following is an entry in ClinVar:

NM_001130987.2(DYSF):c.5571G>A (p.Trp1857Ter)

Gene: DYSF (dysferlin; plus strand). Cytogenetic location: 2p13.2.
Variant type: single nucleotide variant.
Coding change: c.5571G>A on transcript NM_001130987.2 (MANE Select); coding-DNA position 5571, G replaced by A.
Protein change: p.Trp1857Ter; replaces tryptophan 1857 with a stop codon.
Molecular consequence: nonsense.
Genome position (GRCh38, 1-based): chr2:71,669,136, G>A. VCF-style: chr2-71669136-G-A. GRCh37 (hg19) VCF-style: chr2-71896266-G-A.
Other names: c.5457G>A, p.Trp1819Ter (NM_001130455.2); c.5412G>A, p.Trp1804Ter (NM_001130976.2); c.5475G>A, p.Trp1825Ter (NM_001130977.2); c.5517G>A, p.Trp1839Ter (NM_001130978.2); c.5547G>A, p.Trp1849Ter (NM_001130979.2); c.5505G>A, p.Trp1835Ter (NM_001130980.2); c.5568G>A, p.Trp1856Ter (NM_001130981.2); c.5550G>A, p.Trp1850Ter (NM_001130982.2); and 5 more; short protein forms W1819*, W1825*, W1849*, W1835*, W1840*, W1850*, W1804*, W1836*.
Identifiers: ClinVar variation 1385410 (VCV001385410.6), dbSNP rs1573094789, ClinGen allele CA347222734.

ClinVar aggregate classification (germline): Pathogenic (1 of 4 stars; one submission).

Conditions:
Neuromuscular disease caused by qualitative or quantitative defects of dysferlin. Also called: Qualitative or quantitative defects of dysferlin; Dysferlinopathy. Identifiers: Orphanet 207073, MedGen C2931687, MONDO:0016145.

Submission:

Labcorp Genetics (formerly Invitae), Labcorp
Classification: Pathogenic for Neuromuscular disease caused by qualitative or quantitative defects of dysferlin. Last evaluated: 2022-02-22. Review status: criteria provided, single submitter. Criteria: Invitae Variant Classification Sherloc (09022015). Collection method: clinical testing. Allele origin: germline.
Comment: This sequence change creates a premature translational stop signal (p.Trp1818*) in the DYSF gene. It is expected to result in an absent or disrupted protein product. Loss-of-function variants in DYSF are known to be pathogenic (PMID: 17698709, 20301480). This variant is not present in population databases (gnomAD no frequency). This variant has not been reported in the literature in individuals affected with DYSF-related conditions. Algorithms developed to predict the effect of sequence changes on RNA splicing suggest that this variant may disrupt the consensus splice site. For these reasons, this variant has been classified as Pathogenic.

Literature cited by the submitters: PubMed 17698709; PubMed 20301480.